The following is an entry in ClinVar:

ClinVar aggregate classification (germline): Conflicting classifications of pathogenicity. Review status: criteria provided, conflicting classifications (1 of 4 stars). 5 submissions from 5 submitters: Uncertain significance (3); Likely benign (2). Last evaluated 2024-12-17.

Conditions:
Familial thoracic aortic aneurysm and aortic dissection (TAAD). Also called: Thoracic aortic aneurysms and dissections. Identifiers: Orphanet 91387, MedGen C4707243, MONDO:0019625.
Arterial tortuosity syndrome (ATORS). Identifiers: Orphanet 3342, MedGen C1859726, MONDO:0008818, OMIM 208050.

Allele frequency attached by ClinVar (database versions not stated): TOPMed 0.00006; gnomAD 0.00010.
gnomAD v4.1: 117 of 1,613,566 alleles (0.0073%); highest among the groups gnomAD compares: Non-Finnish European, 0.0089%; no homozygotes.

Submissions (5):

ARUP Laboratories, Molecular Genetics and Genomics, ARUP Laboratories
Classification: Uncertain significance for Arterial tortuosity syndrome. Last evaluated: 2024-12-17. Review status: criteria provided, single submitter. Criteria: ARUP Molecular Germline Variant Investigation Process 2024. Collection method: clinical testing. Allele origin: germline.
Comment: The SLC2A10 c.1208G>A; p.Arg403Gln variant (rs199912561), to our knowledge, is not reported in the medical literature but is reported in ClinVar (Variation ID: 213723). This variant is found in the general population with an overall allele frequency of 0.0036% (10/281612 alleles) in the Genome Aggregation Database (v2.1.1). Computational analyses predict that this variant is neutral (REVEL: 0.113). Due to limited information, the clinical significance of this variant is uncertain at this time.

Ambry Genetics
Classification: Likely benign for Familial thoracic aortic aneurysm and aortic dissection. Last evaluated: 2024-10-24. Review status: criteria provided, single submitter. Criteria: Ambry Variant Classification Scheme 2023. Collection method: clinical testing. Allele origin: germline.

Labcorp Genetics (formerly Invitae), Labcorp
Classification: Uncertain significance for Arterial tortuosity syndrome. Last evaluated: 2022-04-25. Review status: criteria provided, single submitter. Criteria: Invitae Variant Classification Sherloc (09022015). Collection method: clinical testing. Allele origin: germline.
Comment: This sequence change replaces arginine, which is basic and polar, with glutamine, which is neutral and polar, at codon 403 of the SLC2A10 protein (p.Arg403Gln). This variant is present in population databases (rs199912561, gnomAD 0.01%). This variant has not been reported in the literature in individuals affected with SLC2A10-related conditions. ClinVar contains an entry for this variant (Variation ID: 213723). Advanced modeling of protein sequence and biophysical properties (such as structural, functional, and spatial information, amino acid conservation, physicochemical variation, residue mobility, and thermodynamic stability) performed at Invitae indicates that this missense variant is not expected to disrupt SLC2A10 protein function. Algorithms developed to predict the effect of sequence changes on RNA splicing suggest that this variant may create or strengthen a splice site. In summary, the available evidence is currently insufficient to determine the role of this variant in disease. Therefore, it has been classified as a Variant of Uncertain Significance.

CHEO Genetics Diagnostic Laboratory, Children's Hospital of Eastern Ontario
Classification: Uncertain significance for Familial thoracic aortic aneurysm and aortic dissection. Last evaluated: 2020-03-04. Review status: criteria provided, single submitter. Criteria: ACMG Guidelines, 2015. Collection method: clinical testing. Allele origin: germline.

GeneDx
Classification: Likely benign. Last evaluated: 2016-07-27. Review status: criteria provided, single submitter. Criteria: GeneDx Variant Classification (06012015). Collection method: clinical testing. Allele origin: germline. Affected: yes.
Comment: This variant is considered likely benign or benign based on one or more of the following criteria: it is a conservative change, it occurs at a poorly conserved position in the protein, it is predicted to be benign by multiple in silico algorithms, and/or has population frequency not consistent with disease.

NM_030777.4(SLC2A10):c.1208G>A (p.Arg403Gln)

Gene: SLC2A10 (solute carrier family 2 member 10; plus strand). Cytogenetic location: 20q13.12.
Variant type: single nucleotide variant.
Coding change: c.1208G>A on transcript NM_030777.4 (MANE Select); coding-DNA position 1208, G replaced by A.
Protein change: p.Arg403Gln; replaces arginine 403 with glutamine.
Molecular consequence: missense variant.
Genome position (GRCh38, 1-based): chr20:46,726,244, G>A. VCF-style: chr20-46726244-G-A. GRCh37 (hg19) VCF-style: chr20-45354883-G-A.
Other names: p.R403Q:CGG>CAG; short protein forms R403Q.
Identifiers: ClinVar variation 213723 (VCV000213723.14), dbSNP rs199912561, ClinGen allele CA321752.